The following is an entry in ClinVar:

ClinVar aggregate classification (germline): Uncertain significance (1 of 4 stars; one submission).

Conditions:
Emery-Dreifuss muscular dystrophy (EDMD). Also called: Scapuloperoneal syndrome, X-linked (formerly); Humeroperoneal neuromuscular disease, (formerly). Identifiers: Orphanet 261, MedGen C0410189, MONDO:0016830.

Allele frequency attached by ClinVar (database versions not stated): ExAC 0.00001; gnomAD 0.00001; TOPMed 0.00001; ESP Exome Variant Server 0.00008.
gnomAD v4.1: 2 of 1,613,434 alleles (0.00012%); highest among the groups gnomAD compares: Admixed American, 0.0017%; no homozygotes.

Submission:

Labcorp Genetics (formerly Invitae), Labcorp
Classification: Uncertain significance for Emery-Dreifuss muscular dystrophy. Last evaluated: 2023-07-08. Review status: criteria provided, single submitter. Criteria: Invitae Variant Classification Sherloc (09022015). Collection method: clinical testing. Allele origin: germline.
Comment: In summary, the available evidence is currently insufficient to determine the role of this variant in disease. Therefore, it has been classified as a Variant of Uncertain Significance. Algorithms developed to predict the effect of missense changes on protein structure and function output the following: SIFT: "Not Available"; PolyPhen-2: "Benign"; Align-GVGD: "Not Available". The arginine amino acid residue is found in multiple mammalian species, which suggests that this missense change does not adversely affect protein function. This variant has not been reported in the literature in individuals affected with SUN1-related conditions. This variant is present in population databases (rs373407857, gnomAD no frequency). This sequence change replaces glutamine, which is neutral and polar, with arginine, which is basic and polar, at codon 311 of the SUN1 protein (p.Gln311Arg).

NM_001130965.3(SUN1):c.932A>G (p.Gln311Arg)

Gene: SUN1 (Sad1 and UNC84 domain containing 1; plus strand). Cytogenetic location: 7p22.3.
Variant type: single nucleotide variant.
Coding change: c.932A>G on transcript NM_001130965.3 (MANE Select); coding-DNA position 932, A replaced by G.
Protein change: p.Gln311Arg; replaces glutamine 311 with arginine.
Molecular consequence: missense variant. On other transcripts: non-coding transcript variant (3), intron variant (1).
Genome position (GRCh38, 1-based): chr7:852,831, A>G. VCF-style: chr7-852831-A-G. GRCh37 (hg19) VCF-style: chr7-892468-A-G.
Other names: c.1214A>G, p.Gln405Arg (NM_001367641.1, NM_001367682.1); c.917A>G, p.Gln306Arg (NM_001367642.1); c.1124A>G, p.Gln375Arg (NM_001367643.1); c.623A>G, p.Gln208Arg (NM_001171944.2); c.932A>G, p.Gln311Arg (NM_001367633.1, NM_001367634.1, NM_001367672.1 and 1 more transcripts); c.581A>G, p.Gln194Arg (NM_001367635.1); c.1172A>G, p.Gln391Arg (NM_001367636.1, NM_001367691.1); c.1040A>G, p.Gln347Arg (NM_001367638.1); and 38 more; short protein forms Q408R, Q208R, Q265R, Q288R, Q298R, Q306R, Q347R, Q348R.
Identifiers: ClinVar variation 2880691 (VCV002880691.3), dbSNP rs373407857, ClinGen allele CA4112015.
Genomic context (GRCh38, chr7:852,831, plus strand): 5'-TGGTGTACCTGTGTGTGTGTGGTGGCTCTTCTCTTTTAGCAGGTCTCTCCTTACGGGGCC[A>G]GGGCAATTTCTTTTCGTTCTTGCCCGTGTTGAACTGGGCAAGCATGCATAGAACACAGCG-3'
Protein context (NP_001124437.1, residues 301-321): LLLAGLSLRG[Gln311Arg]GNFFSFLPVL